The following is an entry in ClinVar:

NM_001374385.1(ATP8B1):c.182-5T>A

Gene: ATP8B1 (ATPase phospholipid transporting 8B1; minus strand). Cytogenetic location: 18q21.31.
Variant type: single nucleotide variant.
Coding change: c.182-5T>A on transcript NM_001374385.1 (MANE Select); 5 bases into the intron before coding-DNA position 182, T replaced by A.
Molecular consequence: intron variant.
Genome position (GRCh38, 1-based): chr18:57,706,592, A>T on the plus strand (T>A on the coding strand, the complement: ATP8B1 is on the minus strand). VCF-style: chr18-57706592-A-T. GRCh37 (hg19) VCF-style: chr18-55373824-A-T.
Other names: c.182-5T>A (NM_005603.6); c.130-1924T>A (NM_001374386.1).
Identifiers: ClinVar variation 3003534 (VCV003003534.4), dbSNP rs1913408306, ClinGen allele CA2306116755.

ClinVar aggregate classification (germline): Conflicting classifications of pathogenicity. Review status: criteria provided, conflicting classifications (1 of 4 stars). 2 submissions from 2 submitters: Uncertain significance (1); Likely benign (1). Last evaluated 2026-04-14.

Conditions:
Familial intrahepatic cholestasis. Identifiers: Orphanet 284385, MedGen CN296401, MONDO:0017290.

Allele frequency attached by ClinVar (database versions not stated): gnomAD exomes below 0.00001; TOPMed below 0.00001.
gnomAD v4.1: 3 of 1,601,286 alleles (0.00019%); highest among the groups gnomAD compares: Non-Finnish European, 0.00026%; no homozygotes.

Submissions (2):

Genomenon, Inc
Classification: Uncertain significance for Familial intrahepatic cholestasis. Last evaluated: 2026-04-14. Review status: criteria provided, single submitter. Criteria: Genomenon Sequence Variant Interpretation Standards - Updated. Collection method: curation. Allele origin: germline. Affected: no.
Comment: ATP8B1 c.182-5T>A is an intronic variant located in the acceptor splice region of intron 2. This variant has been reported in the published literature (PMID:24260417). It is absent or not present at a significant frequency in gnomAD. In silico models predict that this variant is not damaging. In conclusion, we classify ATP8B1 c.182-5T>A as a variant of uncertain significance.

Labcorp Genetics (formerly Invitae), Labcorp
Classification: Likely benign. Last evaluated: 2023-07-19. Review status: criteria provided, single submitter. Criteria: Invitae Variant Classification Sherloc (09022015). Collection method: clinical testing. Allele origin: germline.

Literature cited by the submitters: PubMed 24260417 (cited by Genomenon, Inc).